The following is an entry in ClinVar:

ClinVar aggregate classification (germline): Uncertain significance (1 of 4 stars; one submission).

Conditions:
Dyskeratosis congenita, autosomal dominant 6 (DKCA6). Identifiers: Orphanet 3322, MedGen C4225284, MONDO:0014690, OMIM 616553.

Allele frequency attached by ClinVar (database versions not stated): gnomAD exomes below 0.00001.

Submission:

Labcorp Genetics (formerly Invitae), Labcorp
Classification: Uncertain significance for Dyskeratosis congenita, autosomal dominant 6. Last evaluated: 2022-02-05. Review status: criteria provided, single submitter. Criteria: Invitae Variant Classification Sherloc (09022015). Collection method: clinical testing. Allele origin: germline.
Comment: This sequence change creates a premature translational stop signal (p.Gln428*) in the ACD gene. It is expected to result in an absent or disrupted protein product. However, the current clinical and genetic evidence is not sufficient to establish whether loss-of-function variants in ACD cause disease. This variant is present in population databases (no rsID available, gnomAD 0.0009%). This variant has not been reported in the literature in individuals affected with ACD-related conditions. In summary, the available evidence is currently insufficient to determine the role of this variant in disease. Therefore, it has been classified as a Variant of Uncertain Significance.

NM_001082486.2(ACD):c.1024C>T (p.Gln342Ter)

Gene: ACD (ACD shelterin complex subunit and telomerase recruitment factor; minus strand). Cytogenetic location: 16q22.1.
Variant type: single nucleotide variant.
Coding change: c.1024C>T on transcript NM_001082486.2 (MANE Select); coding-DNA position 1024, C replaced by T.
Protein change: p.Gln342Ter; replaces glutamine 342 with a stop codon.
Molecular consequence: nonsense.
Genome position (GRCh38, 1-based): chr16:67,658,168, G>A on the plus strand (C>T on the coding strand, the complement: ACD is on the minus strand). VCF-style: chr16-67658168-G-A. GRCh37 (hg19) VCF-style: chr16-67692071-G-A.
Other names: c.1015C>T, p.Gln339Ter (NM_022914.3); short protein forms Q342*, Q339*.
Identifiers: ClinVar variation 1432008 (VCV001432008.7), dbSNP rs1316577809, ClinGen allele CA396352459.